The following is an entry in ClinVar:

NM_032229.3(SLITRK6):c.2378C>T (p.Ala793Val)

Gene: SLITRK6 (SLIT and NTRK like family member 6; minus strand). Cytogenetic location: 13q31.1.
Variant type: single nucleotide variant.
Coding change: c.2378C>T on transcript NM_032229.3 (MANE Select); coding-DNA position 2378, C replaced by T.
Protein change: p.Ala793Val; replaces alanine 793 with valine.
Molecular consequence: missense variant.
Genome position (GRCh38, 1-based): chr13:85,794,131, G>A on the plus strand (C>T on the coding strand, the complement: SLITRK6 is on the minus strand). VCF-style: chr13-85794131-G-A. GRCh37 (hg19) VCF-style: chr13-86368266-G-A.
Other names: short protein forms A793V.
Identifiers: ClinVar variation 4724659 (VCV004724659.1).
Genomic context (GRCh38, chr13:85,794,131, plus strand): 5'-ACTAATACCTTCCTTGGACGTGAGTACATTAATGTTTCCATTAACTTCAGCTCTTCGTGG[G>A]CTCCAGGATAATGTGCCTCCATATCAGGCTGGAGCTGAGCAATGTTTTTCCTTAGGTATT-3'
Protein context (NP_115605.2, residues 783-803): QPDMEAHYPG[Ala793Val]HEELKLMETL

ClinVar aggregate classification (germline): Uncertain significance (1 of 4 stars; one submission).

gnomAD v4.1: 3 of 1,613,010 alleles (0.00019%); highest among the groups gnomAD compares: African/African-American, 0.0013%; no homozygotes.

Submission:

Labcorp Genetics (formerly Invitae), Labcorp
Classification: Uncertain significance. Last evaluated: 2025-08-12. Review status: criteria provided, single submitter. Criteria: Invitae Variant Classification Sherloc (09022015). Collection method: clinical testing. Allele origin: germline.
Comment: This sequence change replaces alanine, which is neutral and non-polar, with valine, which is neutral and non-polar, at codon 793 of the SLITRK6 protein (p.Ala793Val). This variant is present in population databases (no rsID available, gnomAD 0.007%). This variant has not been reported in the literature in individuals affected with SLITRK6-related conditions. An algorithm developed to predict the effect of missense changes on protein structure and function (PolyPhen-2) suggests that this variant is likely to be tolerated. In summary, the available evidence is currently insufficient to determine the role of this variant in disease. Therefore, it has been classified as a Variant of Uncertain Significance.